The following is an entry in ClinVar:

NM_213649.2(SFXN4):c.839A>T (p.Asn280Ile)

Gene: SFXN4 (sideroflexin 4; minus strand). Cytogenetic location: 10q26.11.
Variant type: single nucleotide variant.
Coding change: c.839A>T on transcript NM_213649.2 (MANE Select); coding-DNA position 839, A replaced by T.
Protein change: p.Asn280Ile; replaces asparagine 280 with isoleucine.
Molecular consequence: missense variant. On other transcripts: non-coding transcript variant (1).
Genome position (GRCh38, 1-based): chr10:119,146,333, T>A on the plus strand (A>T on the coding strand, the complement: SFXN4 is on the minus strand). VCF-style: chr10-119146333-T-A. GRCh37 (hg19) VCF-style: chr10-120905845-T-A.
Other names: c.839A>T (NM_213649.1); c.839A>T, p.Asn280Ile (NM_213650.1); short protein forms N280I.
Identifiers: ClinVar variation 1933980 (VCV001933980.3), dbSNP rs749944766, ClinGen allele CA5714375.

ClinVar aggregate classification (germline): Conflicting classifications of pathogenicity. Review status: criteria provided, conflicting classifications (1 of 4 stars). 2 submissions from 2 submitters: Uncertain significance (1); Likely benign (1). Last evaluated 2025-08-26.

Conditions:
Inborn genetic diseases. Identifiers: MedGen C0950123, MeSH D030342.

Allele frequency attached by ClinVar (database versions not stated): gnomAD 0.00002; gnomAD exomes 0.00003; TOPMed 0.00006.
gnomAD v4.1: 26 of 1,611,700 alleles (0.0016%); highest among the groups gnomAD compares: Admixed American, 0.038%; no homozygotes.

Submissions (2):

Ambry Genetics
Classification: Likely benign for Inborn genetic diseases. Last evaluated: 2025-08-26. Review status: criteria provided, single submitter. Criteria: Ambry Variant Classification Scheme 2023. Collection method: clinical testing. Allele origin: germline.

Labcorp Genetics (formerly Invitae), Labcorp
Classification: Uncertain significance. Last evaluated: 2022-08-11. Review status: criteria provided, single submitter. Criteria: Invitae Variant Classification Sherloc (09022015). Collection method: clinical testing. Allele origin: germline.
Comment: This sequence change replaces asparagine, which is neutral and polar, with isoleucine, which is neutral and non-polar, at codon 280 of the SFXN4 protein (p.Asn280Ile). This variant is present in population databases (rs749944766, gnomAD 0.06%). This variant has not been reported in the literature in individuals affected with SFXN4-related conditions. Algorithms developed to predict the effect of missense changes on protein structure and function are either unavailable or do not agree on the potential impact of this missense change (SIFT: "Tolerated"; PolyPhen-2: "Probably Damaging"; Align-GVGD: "Class C0"). In summary, the available evidence is currently insufficient to determine the role of this variant in disease. Therefore, it has been classified as a Variant of Uncertain Significance.